The following is an entry in ClinVar:

ClinVar aggregate classification (germline): Uncertain significance (1 of 4 stars; one submission).

Conditions:
BICD2-related disorder. Also called: BICD2-related condition.

Submission:

PreventionGenetics, part of Exact Sciences
Classification: Uncertain significance for BICD2-related condition. Last evaluated: 2022-09-30. Review status: criteria provided, single submitter. Criteria: ACMG Guidelines, 2015. Collection method: clinical testing. Allele origin: germline.
Comment: The BICD2 c.1619A>G variant is predicted to result in the amino acid substitution p.His540Arg. To our knowledge, this variant has not been reported in the literature or in a large population database, indicating this variant is rare. At this time, the clinical significance of this variant is uncertain due to the absence of conclusive functional and genetic evidence.

NM_001003800.2(BICD2):c.1619A>G (p.His540Arg)

Gene: BICD2 (BICD cargo adaptor 2; minus strand). Cytogenetic location: 9q22.31.
Variant type: single nucleotide variant.
Coding change: c.1619A>G on transcript NM_001003800.2 (MANE Select); coding-DNA position 1619, A replaced by G.
Protein change: p.His540Arg; replaces histidine 540 with arginine.
Molecular consequence: missense variant.
Genome position (GRCh38, 1-based): chr9:92,719,026, T>C on the plus strand (A>G on the coding strand, the complement: BICD2 is on the minus strand). VCF-style: chr9-92719026-T-C. GRCh37 (hg19) VCF-style: chr9-95481308-T-C.
Other names: c.1619A>G, p.His540Arg (NM_015250.4); short protein forms H540R.
Identifiers: ClinVar variation 2636434 (VCV002636434.1), dbSNP rs2490444973, ClinGen allele CA374036735.